The following is an entry in ClinVar:

NM_198904.4(GABRG2):c.525T>C (p.Asp175=)

Gene: GABRG2 (gamma-aminobutyric acid type A receptor subunit gamma2; plus strand). Cytogenetic location: 5q34.
Variant type: single nucleotide variant.
Coding change: c.525T>C on transcript NM_198904.4 (MANE Select); coding-DNA position 525, T replaced by C.
Protein change: p.Asp175=; no amino-acid change (aspartic acid 175 retained).
Molecular consequence: synonymous variant.
Genome position (GRCh38, 1-based): chr5:162,097,835, T>C. VCF-style: chr5-162097835-T-C. GRCh37 (hg19) VCF-style: chr5-161524841-T-C.
Other names: c.516T>C, p.Asp172= (NM_001375339.1); c.525T>C, p.Asp175= (NM_001375340.1, NM_001375341.1, NM_001375342.1 and 4 more transcripts); c.459T>C, p.Asp153= (NM_001375345.1, NM_001375346.1); c.438T>C, p.Asp146= (NM_001375347.1); c.105T>C, p.Asp35= (NM_001375348.1, NM_001375350.1); c.240T>C, p.Asp80= (NM_001375349.1).
Identifiers: ClinVar variation 510634 (VCV000510634.9), dbSNP rs770485021, ClinGen allele CA3544739.

ClinVar aggregate classification (germline): Likely benign. Review status: criteria provided, multiple submitters, no conflicts (2 of 4 stars). 2 submissions from 2 submitters: Likely benign (2). Last evaluated 2025-10-22.

Conditions:
EPILEPSY, CHILDHOOD ABSENCE, SUSCEPTIBILITY TO, 2 (ECA2). Identifiers: Orphanet 64280, MedGen C1843244, OMIM 607681.
Febrile seizures, familial, 8 (FEB8). Also called: CONVULSIONS, FAMILIAL FEBRILE, 8. Identifiers: Orphanet 36387, MedGen C1969810, MONDO:0011891, OMIM 607681.

Allele frequency attached by ClinVar (database versions not stated): gnomAD exomes 0.00001; ExAC 0.00002.
gnomAD v4.1: 4 of 1,613,266 alleles (0.00025%); highest among the groups gnomAD compares: South Asian, 0.0033%; no homozygotes.

Submissions (2):

Labcorp Genetics (formerly Invitae), Labcorp
Classification: Likely benign for Febrile seizures, familial, 8; EPILEPSY, CHILDHOOD ABSENCE, SUSCEPTIBILITY TO, 2. Last evaluated: 2025-10-22. Review status: criteria provided, single submitter. Criteria: Invitae Variant Classification Sherloc (09022015). Collection method: clinical testing. Allele origin: germline.

GeneDx
Classification: Likely benign. Last evaluated: 2017-07-06. Review status: criteria provided, single submitter. Criteria: GeneDx Variant Classification (06012015). Collection method: clinical testing. Allele origin: germline. Affected: yes.
Comment: This variant is considered likely benign or benign based on one or more of the following criteria: it is a conservative change, it occurs at a poorly conserved position in the protein, it is predicted to be benign by multiple in silico algorithms, and/or has population frequency not consistent with disease.